The following is an entry in ClinVar:

ClinVar aggregate classification (germline): Benign. Review status: criteria provided, single submitter (1 of 4 stars). 2 submissions from 2 submitters: Benign (1). 1 of the submissions does not count toward it. Last evaluated 2026-02-02.

Conditions:
PEX13-related disorder. Also called: PEX13-related condition; PEX13-related disorders.
Peroxisome biogenesis disorder 11A (Zellweger). Also called: Peroxisome biogenesis disorder 11A. Identifiers: Orphanet 912, MedGen C3554000, MONDO:0013949, OMIM 614883.

Allele frequency attached by ClinVar (database versions not stated): TOPMed 0.00001; 1000 Genomes Project 0.00060; 1000 Genomes Project 30x 0.00078.
gnomAD v4.1: 144 of 1,614,056 alleles (0.0089%); highest among the groups gnomAD compares: South Asian, 0.14%; 3 homozygotes.

Submissions (2):

Labcorp Genetics (formerly Invitae), Labcorp
Classification: Benign for Peroxisome biogenesis disorder 11A (Zellweger). Last evaluated: 2026-02-02. Review status: criteria provided, single submitter. Criteria: Invitae Variant Classification Sherloc (09022015). Collection method: clinical testing. Allele origin: germline.

PreventionGenetics, part of Exact Sciences
Classification: Likely benign for PEX13-related condition. Last evaluated: 2022-07-21. Review status: no assertion criteria provided. Collection method: clinical testing. Allele origin: germline. Not counted in ClinVar's aggregate classification.
Comment: This variant is classified as likely benign based on ACMG/AMP sequence variant interpretation guidelines (Richards et al. 2015 PMID: 25741868, with internal and published modifications).

NM_002618.4(PEX13):c.1090G>T (p.Ala364Ser)

Gene: PEX13 (peroxisomal biogenesis factor 13; plus strand). Cytogenetic location: 2p15.
Variant type: single nucleotide variant.
Coding change: c.1090G>T on transcript NM_002618.4 (MANE Select); coding-DNA position 1090, G replaced by T.
Protein change: p.Ala364Ser; replaces alanine 364 with serine.
Molecular consequence: missense variant.
Genome position (GRCh38, 1-based): chr2:61,048,648, G>T. VCF-style: chr2-61048648-G-T. GRCh37 (hg19) VCF-style: chr2-61275783-G-T.
Other names: short protein forms A364S.
Identifiers: ClinVar variation 800163 (VCV000800163.12), dbSNP rs550344775, ClinGen allele CA1673431.